The following is an entry in ClinVar:

NM_152703.5(SAMD9L):c.3892C>T (p.Arg1298Cys)

Gene: SAMD9L (sterile alpha motif domain containing 9 like; minus strand). Cytogenetic location: 7q21.2.
Variant type: single nucleotide variant.
Coding change: c.3892C>T on transcript NM_152703.5 (MANE Select); coding-DNA position 3892, C replaced by T.
Protein change: p.Arg1298Cys; replaces arginine 1298 with cysteine.
Molecular consequence: missense variant.
Genome position (GRCh38, 1-based): chr7:93,132,080, G>A on the plus strand (C>T on the coding strand, the complement: SAMD9L is on the minus strand). VCF-style: chr7-93132080-G-A. GRCh37 (hg19) VCF-style: chr7-92761393-G-A.
Other names: c.3892C>T (NM_152703.2); c.3892C>T, p.Arg1298Cys (NM_001303496.3, NM_001303497.3, NM_001303498.3 and 5 more transcripts); short protein forms R1298C.
Identifiers: ClinVar variation 1316965 (VCV001316965.9), dbSNP rs368520824, ClinGen allele CA4343389.

ClinVar aggregate classification (germline): Uncertain significance. Review status: criteria provided, multiple submitters, no conflicts (2 of 4 stars). 4 submissions from 4 submitters: Uncertain significance (4). Last evaluated 2025-12-18.

Conditions:
Inborn genetic diseases. Identifiers: MedGen C0950123, MeSH D030342.

Allele frequency attached by ClinVar (database versions not stated): ESP Exome Variant Server 0.00008.
gnomAD v4.1: 44 of 1,613,520 alleles (0.0027%); highest among the groups gnomAD compares: Non-Finnish European, 0.0034%; no homozygotes.

Submissions (4):

Labcorp Genetics (formerly Invitae), Labcorp
Classification: Uncertain significance. Last evaluated: 2025-12-18. Review status: criteria provided, single submitter. Criteria: Invitae Variant Classification Sherloc (09022015). Collection method: clinical testing. Allele origin: germline.
Comment: This sequence change replaces arginine, which is basic and polar, with cysteine, which is neutral and slightly polar, at codon 1298 of the SAMD9L protein (p.Arg1298Cys). This variant is present in population databases (rs368520824, gnomAD 0.003%). This variant has not been reported in the literature in individuals affected with SAMD9L-related conditions. ClinVar contains an entry for this variant (Variation ID: 1316965). Invitae Evidence Modeling of protein sequence and biophysical properties (such as structural, functional, and spatial information, amino acid conservation, physicochemical variation, residue mobility, and thermodynamic stability) indicates that this missense variant is not expected to disrupt SAMD9L protein function with a negative predictive value of 80%. In summary, the available evidence is currently insufficient to determine the role of this variant in disease. Therefore, it has been classified as a Variant of Uncertain Significance.

GeneDx
Classification: Uncertain significance. Last evaluated: 2025-07-10. Review status: criteria provided, single submitter. Criteria: GeneDx Variant Classification Process June 2021. Collection method: clinical testing. Allele origin: germline. Affected: yes.
Comment: Not observed at significant frequency in large population cohorts (gnomAD); In silico analysis supports that this missense variant has a deleterious effect on protein structure/function; Has not been previously published as pathogenic or benign to our knowledge

Ambry Genetics
Classification: Uncertain significance for Inborn genetic diseases. Last evaluated: 2024-11-23. Review status: criteria provided, single submitter. Criteria: Ambry Variant Classification Scheme 2023. Collection method: clinical testing. Allele origin: germline.
Comment: The p.R1298C variant (also known as c.3892C>T), located in coding exon 1 of the SAMD9L gene, results from a C to T substitution at nucleotide position 3892. The arginine at codon 1298 is replaced by cysteine, an amino acid with highly dissimilar properties. This amino acid position is conserved. In addition, this alteration is predicted to be tolerated by in silico analysis. Based on the available evidence, the clinical significance of this variant remains unclear.

Blueprint Genetics
Classification: Uncertain significance. Last evaluated: 2023-08-18. Review status: criteria provided, single submitter. Criteria: ACMG Guidelines, 2015. Collection method: clinical testing. Allele origin: germline.